The following is an entry in ClinVar:

ClinVar aggregate classification (germline): Benign (1 of 4 stars; one submission).

gnomAD v4.1: 25,223 of 1,611,314 alleles (1.6%); highest among the groups gnomAD compares: Non-Finnish European, 1.9%; 263 homozygotes.

Submissions (12):

Mayo Clinic Laboratories, Mayo Clinic
Classification: Benign. Last evaluated: 2024-04-23. Review status: criteria provided, single submitter. Criteria: ACMG Guidelines, 2015. Collection method: clinical testing. Allele origin: germline. Observed: 16 variant alleles.
Comment: BS1, BS2, BP4, BP7

Dr. Peter K. Rogan Lab, Western University
No classification provided (evidence only). Condition: Acute myeloid leukemia. Review status: no classification provided. Collection method: in vitro. Allele origin: not applicable. Functional consequence: retained intron. Not counted in ClinVar's aggregate classification.

Dr. Peter K. Rogan Lab, Western University
No classification provided (evidence only). Condition: Acute myeloid leukemia. Review status: no classification provided. Collection method: in vitro. Allele origin: not applicable. Functional consequence: retained intron. Not counted in ClinVar's aggregate classification.

Dr. Peter K. Rogan Lab, Western University
No classification provided (evidence only). Condition: Acute myeloid leukemia. Review status: no classification provided. Collection method: in vitro. Allele origin: not applicable. Functional consequence: retained intron. Not counted in ClinVar's aggregate classification.

Dr. Peter K. Rogan Lab, Western University
No classification provided (evidence only). Condition: Uterine corpus endometrial carcinoma. Review status: no classification provided. Collection method: in vitro. Allele origin: not applicable. Functional consequence: retained intron. Not counted in ClinVar's aggregate classification.

Dr. Peter K. Rogan Lab, Western University
No classification provided (evidence only). Condition: Ovarian serous cystadenocarcinoma. Review status: no classification provided. Collection method: in vitro. Allele origin: not applicable. Functional consequence: retained intron. Not counted in ClinVar's aggregate classification.

Dr. Peter K. Rogan Lab, Western University
No classification provided (evidence only). Condition: Ovarian serous cystadenocarcinoma. Review status: no classification provided. Collection method: in vitro. Allele origin: not applicable. Functional consequence: retained intron. Not counted in ClinVar's aggregate classification.

Dr. Peter K. Rogan Lab, Western University
No classification provided (evidence only). Condition: Ovarian serous cystadenocarcinoma. Review status: no classification provided. Collection method: in vitro. Allele origin: not applicable. Functional consequence: retained intron. Not counted in ClinVar's aggregate classification.

Dr. Peter K. Rogan Lab, Western University
No classification provided (evidence only). Condition: Gastric cancer. Review status: no classification provided. Collection method: in vitro. Allele origin: not applicable. Functional consequence: retained intron. Not counted in ClinVar's aggregate classification.

Dr. Peter K. Rogan Lab, Western University
No classification provided (evidence only). Condition: Malignant tumor of esophagus. Review status: no classification provided. Collection method: in vitro. Allele origin: not applicable. Functional consequence: retained intron. Not counted in ClinVar's aggregate classification.

Dr. Peter K. Rogan Lab, Western University
No classification provided (evidence only). Condition: Malignant tumor of esophagus. Review status: no classification provided. Collection method: in vitro. Allele origin: not applicable. Functional consequence: retained intron. Not counted in ClinVar's aggregate classification.

Dr. Peter K. Rogan Lab, Western University
No classification provided (evidence only). Condition: Malignant tumor of esophagus. Review status: no classification provided. Collection method: in vitro. Allele origin: not applicable. Functional consequence: retained intron. Not counted in ClinVar's aggregate classification.

NM_005845.5(ABCC4):c.1161+8T>A

Gene: ABCC4 (ATP binding cassette subfamily C member 4 (PEL blood group); minus strand). Cytogenetic location: 13q32.1.
Variant type: single nucleotide variant.
Coding change: c.1161+8T>A on transcript NM_005845.5 (MANE Select); 8 bases into the intron after coding-DNA position 1161, T replaced by A.
Molecular consequence: intron variant.
Genome position (GRCh38, 1-based): chr13:95,206,524, A>T on the plus strand (T>A on the coding strand, the complement: ABCC4 is on the minus strand). VCF-style: chr13-95206524-A-T. GRCh37 (hg19) VCF-style: chr13-95858778-A-T.
Other names: NC_000013.10:g.95858778A>T; p.?; c.1161+8T>A (NM_005845.4, NM_001301829.2, NM_001105515.3); c.936+8T>A (NM_001301830.2).
Identifiers: ClinVar variation 4393866 (VCV004393866.2).
Genomic context (GRCh38, chr13:95,206,524, plus strand): 5'-CTAAATAAAAGGAGACATCATTCTACTTCAAATGCACCTACAACTTTAAAATGGCATCTG[A>T]CACCAACCTGGATTCTTCGGATGCTGACGATTGCCTCTGACACCCTCTCAATGGCTGAGG-3'